The following is an entry in ClinVar:

ClinVar aggregate classification (germline): Uncertain significance (1 of 4 stars; one submission).

Allele frequency attached by ClinVar (database versions not stated): ExAC 0.00001.
gnomAD v4.1: 11 of 1,610,970 alleles (0.00068%); highest among the groups gnomAD compares: Admixed American, 0.005%; no homozygotes.

Submission:

Labcorp Genetics (formerly Invitae), Labcorp
Classification: Uncertain significance. Last evaluated: 2022-04-04. Review status: criteria provided, single submitter. Criteria: Invitae Variant Classification Sherloc (09022015). Collection method: clinical testing. Allele origin: germline.
Comment: This sequence change replaces methionine, which is neutral and non-polar, with valine, which is neutral and non-polar, at codon 309 of the TPP1 protein (p.Met309Val). This variant is present in population databases (rs763854371, gnomAD 0.01%). This variant has not been reported in the literature in individuals affected with TPP1-related conditions. Advanced modeling of protein sequence and biophysical properties (such as structural, functional, and spatial information, amino acid conservation, physicochemical variation, residue mobility, and thermodynamic stability) performed at Invitae indicates that this missense variant is not expected to disrupt TPP1 protein function. In summary, the available evidence is currently insufficient to determine the role of this variant in disease. Therefore, it has been classified as a Variant of Uncertain Significance.

NM_000391.4(TPP1):c.925A>G (p.Met309Val)

Gene: TPP1 (tripeptidyl peptidase 1; minus strand). Cytogenetic location: 11p15.4.
Variant type: single nucleotide variant.
Coding change: c.925A>G on transcript NM_000391.4 (MANE Select); coding-DNA position 925, A replaced by G.
Protein change: p.Met309Val; replaces methionine 309 with valine.
Molecular consequence: missense variant.
Genome position (GRCh38, 1-based): chr11:6,616,465, T>C on the plus strand (A>G on the coding strand, the complement: TPP1 is on the minus strand). VCF-style: chr11-6616465-T-C. GRCh37 (hg19) VCF-style: chr11-6637696-T-C.
Other names: short protein forms M309V.
Identifiers: ClinVar variation 2150070 (VCV002150070.1), dbSNP rs763854371, ClinGen allele CA5858804.